The following is an entry in ClinVar:

ClinVar aggregate classification (germline): Uncertain significance. Review status: criteria provided, multiple submitters, no conflicts (2 of 4 stars). 3 submissions from 3 submitters: Uncertain significance (3). Last evaluated 2025-02-03.

Conditions:
Hereditary cancer-predisposing syndrome. Also called: Tumor predisposition; Neoplastic Syndromes, Hereditary; Hereditary Cancer Syndrome; Hereditary neoplastic syndrome. Identifiers: Orphanet 140162, MedGen C0027672, MeSH D009386, MONDO:0015356.
Multiple endocrine neoplasia, type 1 (MEN1). Also called: MEN I; WERMER SYNDROME; Endocrine adenomatosis multiple; MEN 1; MEA I. Identifiers: Orphanet 652, MedGen C0025267, MeSH D018761, MONDO:0007540, OMIM 131100.

Submissions (3):

Labcorp Genetics (formerly Invitae), Labcorp
Classification: Uncertain significance for Multiple endocrine neoplasia, type 1. Last evaluated: 2025-02-03. Review status: criteria provided, single submitter. Criteria: Invitae Variant Classification Sherloc (09022015). Collection method: clinical testing. Allele origin: germline.
Comment: This sequence change replaces isoleucine, which is neutral and non-polar, with valine, which is neutral and non-polar, at codon 85 of the MEN1 protein (p.Ile85Val). This variant is not present in population databases (gnomAD no frequency). This variant has not been reported in the literature in individuals affected with MEN1-related conditions. ClinVar contains an entry for this variant (Variation ID: 2676502). Invitae Evidence Modeling of protein sequence and biophysical properties (such as structural, functional, and spatial information, amino acid conservation, physicochemical variation, residue mobility, and thermodynamic stability) indicates that this missense variant is not expected to disrupt MEN1 protein function with a negative predictive value of 80%. In summary, the available evidence is currently insufficient to determine the role of this variant in disease. Therefore, it has been classified as a Variant of Uncertain Significance.

Ambry Genetics
Classification: Uncertain significance for Hereditary cancer-predisposing syndrome. Last evaluated: 2024-10-09. Review status: criteria provided, single submitter. Criteria: Ambry Variant Classification Scheme 2023. Collection method: clinical testing. Allele origin: germline.
Comment: The p.I85V variant (also known as c.253A>G), located in coding exon 1 of the MEN1 gene, results from an A to G substitution at nucleotide position 253. The isoleucine at codon 85 is replaced by valine, an amino acid with highly similar properties. This amino acid position is not well conserved in available vertebrate species. In addition, the in silico prediction for this alteration is inconclusive. Based on the available evidence, the clinical significance of this variant remains unclear.

Baylor Genetics
Classification: Uncertain significance for Multiple Endocrine Neoplasia Type 1. Last evaluated: 2023-10-29. Review status: criteria provided, single submitter. Criteria: ACMG Guidelines, 2015. Collection method: clinical testing. Allele origin: unknown.

NM_001370259.2(MEN1):c.253A>G (p.Ile85Val)

Gene: MEN1 (menin 1; minus strand). Cytogenetic location: 11q13.1.
Variant type: single nucleotide variant.
Coding change: c.253A>G on transcript NM_001370259.2 (MANE Select); coding-DNA position 253, A replaced by G.
Protein change: p.Ile85Val; replaces isoleucine 85 with valine.
Molecular consequence: missense variant. On other transcripts: non-coding transcript variant (4).
Genome position (GRCh38, 1-based): chr11:64,809,857, T>C on the plus strand (A>G on the coding strand, the complement: MEN1 is on the minus strand). VCF-style: chr11-64809857-T-C. GRCh37 (hg19) VCF-style: chr11-64577329-T-C.
Other names: c.253A>G, p.Ile85Val (NM_000244.4, NM_001370251.2, NM_001370260.2 and 20 more transcripts); short protein forms I85V.
Identifiers: ClinVar variation 2676502 (VCV002676502.4), dbSNP rs2136187626, ClinGen allele CA381187551.